The following is an entry in ClinVar:

ClinVar aggregate classification (germline): Conflicting classifications of pathogenicity. Review status: criteria provided, conflicting classifications (1 of 4 stars). 6 submissions from 6 submitters: Uncertain significance (5); Likely benign (1). Last evaluated 2025-12-16.

Conditions:
COG8-congenital disorder of glycosylation. Also called: COG8-CDG; CDG IIh. Identifiers: Orphanet 95428, MedGen C1970021, MONDO:0012635, OMIM 611182.
Inborn genetic diseases. Identifiers: MedGen C0950123, MeSH D030342.

Allele frequency attached by ClinVar (database versions not stated): gnomAD 0.00019 and 0.00022; TOPMed 0.00023; gnomAD exomes 0.00036; ESP Exome Variant Server 0.00038; ExAC 0.00040; 1000 Genomes Project 0.00120; 1000 Genomes Project 30x 0.00125.

Submissions (6):

Ambry Genetics
Classification: Likely benign for Inborn genetic diseases. Last evaluated: 2025-12-16. Review status: criteria provided, single submitter. Criteria: Ambry Variant Classification Scheme 2023. Collection method: clinical testing. Allele origin: germline.

Mayo Clinic Laboratories, Mayo Clinic
Classification: Uncertain significance. Last evaluated: 2023-02-08. Review status: criteria provided, single submitter. Criteria: ACMG Guidelines, 2015. Collection method: clinical testing. Allele origin: germline. Observed: 1 variant allele.

Labcorp Genetics (formerly Invitae), Labcorp
Classification: Uncertain significance for COG8-congenital disorder of glycosylation. Last evaluated: 2022-10-24. Review status: criteria provided, single submitter. Criteria: Invitae Variant Classification Sherloc (09022015). Collection method: clinical testing. Allele origin: germline.
Comment: In summary, the available evidence is currently insufficient to determine the role of this variant in disease. Therefore, it has been classified as a Variant of Uncertain Significance. Advanced modeling of protein sequence and biophysical properties (such as structural, functional, and spatial information, amino acid conservation, physicochemical variation, residue mobility, and thermodynamic stability) performed at Invitae indicates that this missense variant is not expected to disrupt COG8 protein function. ClinVar contains an entry for this variant (Variation ID: 886170). This variant has not been reported in the literature in individuals affected with COG8-related conditions. This variant is present in population databases (rs149850861, gnomAD 0.07%). This sequence change replaces glutamic acid, which is acidic and polar, with lysine, which is basic and polar, at codon 296 of the COG8 protein (p.Glu296Lys).

Fulgent Genetics
Classification: Uncertain significance for COG8-congenital disorder of glycosylation. Last evaluated: 2021-11-09. Review status: criteria provided, single submitter. Criteria: ACMG Guidelines, 2015. Collection method: clinical testing. Allele origin: unknown.

Illumina Laboratory Services, Illumina
Classification: Uncertain significance for COG8-congenital disorder of glycosylation. Last evaluated: 2018-01-13. Review status: criteria provided, single submitter. Criteria: ICSL Variant Classification Criteria 13 December 2019. Collection method: clinical testing. Allele origin: germline.

Breakthrough Genomics
Classification: Uncertain significance. Review status: criteria provided, single submitter. Criteria: ACMG Guidelines, 2015. Collection method: not provided. Allele origin: germline. Inheritance: Unknown mechanism. Affected: yes.

NM_032382.5(COG8):c.886G>A (p.Glu296Lys)

Gene: COG8 (component of oligomeric golgi complex 8; minus strand). Cytogenetic location: 16q22.1.
Variant type: single nucleotide variant.
Coding change: c.886G>A on transcript NM_032382.5 (MANE Select); coding-DNA position 886, G replaced by A.
Protein change: p.Glu296Lys; replaces glutamic acid 296 with lysine.
Molecular consequence: missense variant.
Genome position (GRCh38, 1-based): chr16:69,335,048, C>T on the plus strand (G>A on the coding strand, the complement: COG8 is on the minus strand). VCF-style: chr16-69335048-C-T. GRCh37 (hg19) VCF-style: chr16-69368951-C-T.
Other names: p.Glu296Lys; c.886G>A, p.Glu296Lys (NM_001374871.1); short protein forms E296K.
Identifiers: ClinVar variation 886170 (VCV000886170.11), dbSNP rs149850861, ClinGen allele CA8133842.
Genomic context (GRCh38, chr16:69,335,048, plus strand): 5'-GGAAGATGGCACTCTCATTCACAGTGTGCTCACCCATGGCAGGGGGCAGCAGTGGGTCCT[C>T]GTCTGAGAAGATGGCACGGTACTGGGTGATGATATCAAAGAGATGGACACGGGAGGCCTC-3'
Protein context (NP_115758.3, residues 286-306): ITQYRAIFSD[Glu296Lys]DPLLPPAMGE